The following is an entry in ClinVar:

ClinVar aggregate classification (germline): Uncertain significance (1 of 4 stars; one submission).

gnomAD v4.1: 1 of 1,613,708 alleles (0.000062%); highest among the groups gnomAD compares: Non-Finnish European, 0.000085%; no homozygotes.

Submission:

Labcorp Genetics (formerly Invitae), Labcorp
Classification: Uncertain significance. Last evaluated: 2025-12-21. Review status: criteria provided, single submitter. Criteria: Invitae Variant Classification Sherloc (09022015). Collection method: clinical testing. Allele origin: germline.
Comment: This sequence change replaces proline, which is neutral and non-polar, with leucine, which is neutral and non-polar, at codon 457 of the OPA1 protein (p.Pro457Leu). This variant is not present in population databases (gnomAD no frequency). This variant has not been reported in the literature in individuals affected with OPA1-related conditions. Invitae Evidence Modeling of protein sequence and biophysical properties (such as structural, functional, and spatial information, amino acid conservation, physicochemical variation, residue mobility, and thermodynamic stability) indicates that this missense variant is expected to disrupt OPA1 protein function with a positive predictive value of 80%. In summary, the available evidence is currently insufficient to determine the role of this variant in disease. Therefore, it has been classified as a Variant of Uncertain Significance.

NM_130837.3(OPA1):c.1535C>T (p.Pro512Leu)

Gene: OPA1 (OPA1 mitochondrial dynamin like GTPase; plus strand). Cytogenetic location: 3q29.
Variant type: single nucleotide variant.
Coding change: c.1535C>T on transcript NM_130837.3 (MANE Select); coding-DNA position 1535, C replaced by T.
Protein change: p.Pro512Leu; replaces proline 512 with leucine.
Molecular consequence: missense variant.
Genome position (GRCh38, 1-based): chr3:193,644,032, C>T. VCF-style: chr3-193644032-C-T. GRCh37 (hg19) VCF-style: chr3-193361821-C-T.
Other names: c.1001C>T, p.Pro334Leu (NM_001354663.2); c.998C>T, p.Pro333Leu (NM_001354664.2); c.1370C>T, p.Pro457Leu (NM_015560.3); c.1262C>T, p.Pro421Leu (NM_130831.3); c.1316C>T, p.Pro439Leu (NM_130832.3); c.1373C>T, p.Pro458Leu (NM_130833.3); c.1424C>T, p.Pro475Leu (NM_130834.3); c.1427C>T, p.Pro476Leu (NM_130835.3); and 1 more; short protein forms P475L, P476L, P333L, P334L, P421L, P512L, P439L, P457L.
Identifiers: ClinVar variation 4765936 (VCV004765936.1).
Genomic context (GRCh38, chr3:193,644,032, plus strand): 5'-CAGATGGATCTGTGGATGCTGAACGCAGTATTGTTACAGACTTGGTCAGTCAAATGGACC[C>T]TCATGGAAGGAGAACCATATTCGTTTTGACCAAAGTAGACCTGGCAGAGAAAAATGTAGC-3'
Protein context (NP_570850.2, residues 502-522): IVTDLVSQMD[Pro512Leu]HGRRTIFVLT